The following is an entry in ClinVar:

NM_001003841.3(SLC6A19):c.24C>A (p.Asn8Lys)

Gene: SLC6A19 (solute carrier family 6 member 19; plus strand). Cytogenetic location: 5p15.33.
Variant type: single nucleotide variant.
Coding change: c.24C>A on transcript NM_001003841.3 (MANE Select); coding-DNA position 24, C replaced by A.
Protein change: p.Asn8Lys; replaces asparagine 8 with lysine.
Molecular consequence: missense variant.
Genome position (GRCh38, 1-based): chr5:1,201,674, C>A. VCF-style: chr5-1201674-C-A. GRCh37 (hg19) VCF-style: chr5-1201789-C-A.
Other names: short protein forms N8K.
Identifiers: ClinVar variation 2184011 (VCV002184011.2), dbSNP rs557180261, ClinGen allele CA3182532.

ClinVar aggregate classification (germline): Uncertain significance. Review status: criteria provided, multiple submitters, no conflicts (2 of 4 stars). 2 submissions from 2 submitters: Uncertain significance (2). Last evaluated 2024-05-15.

Conditions:
Neutral 1 amino acid transport defect (HND). Also called: Hartnup disease; HARTNUP DISORDER. Identifiers: Orphanet 2116, MedGen C0018609, MONDO:0009324, OMIM 234500.

Allele frequency attached by ClinVar (database versions not stated): ExAC 0.00001; TOPMed 0.00001.

Submissions (2):

Fulgent Genetics
Classification: Uncertain significance for Neutral 1 amino acid transport defect. Last evaluated: 2024-05-15. Review status: criteria provided, single submitter. Criteria: ACMG Guidelines, 2015. Collection method: clinical testing. Allele origin: germline.

Labcorp Genetics (formerly Invitae), Labcorp
Classification: Uncertain significance. Last evaluated: 2022-06-11. Review status: criteria provided, single submitter. Criteria: Invitae Variant Classification Sherloc (09022015). Collection method: clinical testing. Allele origin: germline.
Comment: This sequence change replaces asparagine, which is neutral and polar, with lysine, which is basic and polar, at codon 8 of the SLC6A19 protein (p.Asn8Lys). This variant is not present in population databases (gnomAD no frequency). This variant has not been reported in the literature in individuals affected with SLC6A19-related conditions. Advanced modeling of protein sequence and biophysical properties (such as structural, functional, and spatial information, amino acid conservation, physicochemical variation, residue mobility, and thermodynamic stability) performed at Invitae indicates that this missense variant is not expected to disrupt SLC6A19 protein function. In summary, the available evidence is currently insufficient to determine the role of this variant in disease. Therefore, it has been classified as a Variant of Uncertain Significance.